The following is an entry in ClinVar:

ClinVar aggregate classification (germline): Uncertain significance. Review status: criteria provided, multiple submitters, no conflicts (2 of 4 stars). 2 submissions from 2 submitters: Uncertain significance (2). Last evaluated 2024-11-10.

Conditions:
Inborn genetic diseases. Identifiers: MedGen C0950123, MeSH D030342.

gnomAD v4.1: 308 of 1,614,102 alleles (0.019%); highest among the groups gnomAD compares: Non-Finnish European, 0.025%; no homozygotes.

Submissions (2):

GeneDx
Classification: Uncertain significance. Last evaluated: 2024-11-10. Review status: criteria provided, single submitter. Criteria: GeneDx Variant Classification Process June 2021. Collection method: clinical testing. Allele origin: germline. Affected: yes.
Comment: In silico analysis supports that this missense variant has a deleterious effect on protein structure/function; Has not been previously published as pathogenic or benign to our knowledge

Ambry Genetics
Classification: Uncertain significance for Inborn genetic diseases. Last evaluated: 2024-05-07. Review status: criteria provided, single submitter. Criteria: Ambry Variant Classification Scheme 2023. Collection method: clinical testing. Allele origin: germline.
Comment: The c.1354G>C (p.A452P) alteration is located in exon 1 (coding exon 1) of the SMG8 gene. This alteration results from a G to C substitution at nucleotide position 1354, causing the alanine (A) at amino acid position 452 to be replaced by a proline (P). Based on data from gnomAD, the C allele has an overall frequency of 0.007% (19/282850) total alleles studied. The highest observed frequency was 0.013% (17/129174) of European (non-Finnish) alleles. This amino acid position is highly conserved in available vertebrate species. This alteration is predicted to be deleterious by in silico analysis. Based on insufficient or conflicting evidence, the clinical significance of this alteration remains unclear.

NM_018149.7(SMG8):c.1354G>C (p.Ala452Pro)

Gene: SMG8 (SMG8 nonsense mediated mRNA decay factor; plus strand). Cytogenetic location: 17q22.
Variant type: single nucleotide variant.
Coding change: c.1354G>C on transcript NM_018149.7 (MANE Select); coding-DNA position 1354, G replaced by C.
Protein change: p.Ala452Pro; replaces alanine 452 with proline.
Molecular consequence: missense variant.
Genome position (GRCh38, 1-based): chr17:59,211,405, G>C. VCF-style: chr17-59211405-G-C. GRCh37 (hg19) VCF-style: chr17-57288766-G-C.
Other names: short protein forms A452P.
Identifiers: ClinVar variation 3320960 (VCV003320960.2).